The following is an entry in ClinVar:

NM_000383.4(AIRE):c.54C>G (p.Ile18Met)

Gene: AIRE (autoimmune regulator; plus strand). Cytogenetic location: 21q22.3.
Variant type: single nucleotide variant.
Coding change: c.54C>G on transcript NM_000383.4 (MANE Select); coding-DNA position 54, C replaced by G.
Protein change: p.Ile18Met; replaces isoleucine 18 with methionine.
Molecular consequence: missense variant.
Genome position (GRCh38, 1-based): chr21:44,286,060, C>G. VCF-style: chr21-44286060-C-G. GRCh37 (hg19) VCF-style: chr21-45705943-C-G.
Other names: short protein forms I18M.
Identifiers: ClinVar variation 2030154 (VCV002030154.4), dbSNP rs2517875605, ClinGen allele CA410423013.
Genomic context (GRCh38, chr21:44,286,060, plus strand): 5'-CCACCCCATGGCGACGGACGCGGCGCTACGCCGGCTTCTGAGGCTGCACCGCACGGAGAT[C>G]GCGGTGGCCGTGGACAGCGCCTTCCCACTGCTGCACGCGCTGGCTGACCACGACGTGGTC-3'
Protein context (NP_000374.1, residues 8-28): RRLLRLHRTE[Ile18Met]AVAVDSAFPL

ClinVar aggregate classification (germline): Likely pathogenic (1 of 4 stars; one submission).

Conditions:
Polyglandular autoimmune syndrome, type 1 (APS1). Also called: Autoimmune polyendocrinopathy syndrome, type I; APS I; AUTOIMMUNE POLYENDOCRINE SYNDROME, TYPE I, WITH OR WITHOUT REVERSIBLE METAPHYSEAL DYSPLASIA; Autoimmune polyendocrine syndrome type 1; HYPOADRENOCORTICISM WITH HYPOPARATHYROIDISM AND SUPERFICIAL MONILIASIS; Whitaker syndrome. Identifiers: Orphanet 3453, MedGen C0085859, MONDO:0009411, OMIM 240300.

Submission:

Labcorp Genetics (formerly Invitae), Labcorp
Classification: Likely pathogenic for Polyglandular autoimmune syndrome, type 1. Last evaluated: 2026-01-26. Review status: criteria provided, single submitter. Criteria: Invitae Variant Classification Sherloc (09022015). Collection method: clinical testing. Allele origin: germline.
Comment: This sequence change replaces isoleucine, which is neutral and non-polar, with methionine, which is neutral and non-polar, at codon 18 of the AIRE protein (p.Ile18Met). This variant is not present in population databases (gnomAD no frequency). This missense change has been observed in individual(s) with clinical features of autoimmune polyendocrinopathy with candidiasis and ectodermal dysplasia (internal data). In at least one individual the data is consistent with being in trans (on the opposite chromosome) from a pathogenic variant. ClinVar contains an entry for this variant (Variation ID: 2030154). Invitae Evidence Modeling of protein sequence and biophysical properties (such as structural, functional, and spatial information, amino acid conservation, physicochemical variation, residue mobility, and thermodynamic stability) has been performed for this missense variant. However, the output from this modeling did not meet the statistical confidence thresholds required to predict the impact of this variant on AIRE protein function. In summary, the currently available evidence indicates that the variant is pathogenic, but additional data are needed to prove that conclusively. Therefore, this variant has been classified as Likely Pathogenic.